The following is an entry in ClinVar:

NM_004168.4(SDHA):c.28del (p.Leu10fs)

Gene: SDHA (succinate dehydrogenase complex flavoprotein subunit A; plus strand). Cytogenetic location: 5p15.33.
Variant type: Deletion.
Coding change: c.28del on transcript NM_004168.4 (MANE Select); coding-DNA position 28, one base deleted (C; older notation c.28delC).
Protein change: p.Leu10fs; shifts the reading frame from leucine 10.
Molecular consequence: frameshift variant.
Genome position (GRCh38, 1-based): chr5:218,383, C deleted. VCF-style (leftmost placement, unchanged base first): chr5-218382-GC-G. GRCh37 (hg19) VCF-style: chr5-218497-GC-G.
Other names: c.28del, p.Leu10fs (NM_001294332.2, NM_001330758.2); short protein forms L10fs.
Identifiers: ClinVar variation 654714 (VCV000654714.7), dbSNP rs1579369841, ClinGen allele CA915943297.

ClinVar aggregate classification (germline): Pathogenic (1 of 4 stars; one submission).

Conditions:
Pheochromocytoma/paraganglioma syndrome 5. Also called: Paragangliomas 5; SDHA-Related Hereditary Paraganglioma-Pheochromocytoma Syndrome. Identifiers: Orphanet 29072, MedGen C3279992, MONDO:0013602, OMIM 614165.
Mitochondrial complex II deficiency, nuclear type 1. Also called: SUCCINATE CoQ REDUCTASE DEFICIENCY. Identifiers: Orphanet 3208, MedGen C5700310, MONDO:0100294, OMIM 252011.

Submission:

Labcorp Genetics (formerly Invitae), Labcorp
Classification: Pathogenic for Pheochromocytoma/paraganglioma syndrome 5; Mitochondrial complex II deficiency, nuclear type 1. Last evaluated: 2024-11-11. Review status: criteria provided, single submitter. Criteria: Invitae Variant Classification Sherloc (09022015). Collection method: clinical testing. Allele origin: germline.
Comment: This sequence change creates a premature translational stop signal (p.Leu10Cysfs*2) in the SDHA gene. It is expected to result in an absent or disrupted protein product. Loss-of-function variants in SDHA are known to be pathogenic (PMID: 22974104, 24781757). This variant is not present in population databases (gnomAD no frequency). This variant has not been reported in the literature in individuals affected with SDHA-related conditions. ClinVar contains an entry for this variant (Variation ID: 654714). For these reasons, this variant has been classified as Pathogenic.

Literature cited by the submitters: PubMed 22974104; PubMed 24781757.